The following is an entry in ClinVar:

NM_003072.5(SMARCA4):c.1138C>T (p.His380Tyr)

Gene: SMARCA4 (SWI/SNF related BAF chromatin remodeling complex subunit ATPase 4; plus strand). Cytogenetic location: 19p13.2.
Variant type: single nucleotide variant.
Coding change: c.1138C>T on transcript NM_003072.5 (MANE Select); coding-DNA position 1138, C replaced by T.
Protein change: p.His380Tyr; replaces histidine 380 with tyrosine.
Molecular consequence: missense variant. On other transcripts: non-coding transcript variant (1).
Genome position (GRCh38, 1-based): chr19:10,989,336, C>T. VCF-style: chr19-10989336-C-T. GRCh37 (hg19) VCF-style: chr19-11100012-C-T.
Other names: c.1138C>T, p.His380Tyr (NM_001128844.3, NM_001128845.2, NM_001128846.2 and 6 more transcripts); short protein forms H380Y.
Identifiers: ClinVar variation 1730363 (VCV001730363.8), dbSNP rs2145847126, ClinGen allele CA404059393.

ClinVar aggregate classification (germline): Uncertain significance. Review status: criteria provided, multiple submitters, no conflicts (2 of 4 stars). 2 submissions from 2 submitters: Uncertain significance (2). Last evaluated 2024-08-05.

Conditions:
Hereditary cancer-predisposing syndrome. Also called: Neoplastic Syndromes, Hereditary; Tumor predisposition; Hereditary Cancer Syndrome; Hereditary neoplastic syndrome. Identifiers: Orphanet 140162, MedGen C0027672, MeSH D009386, MONDO:0015356.
Rhabdoid tumor predisposition syndrome 2 (RTPS2). Identifiers: Orphanet 231108, Orphanet 69077, MedGen C2750074, MONDO:0013224, OMIM 613325.

Allele frequency attached by ClinVar (database versions not stated): gnomAD exomes below 0.00001.
gnomAD v4.1: 2 of 1,614,166 alleles (0.00012%); highest among the groups gnomAD compares: Non-Finnish European, 0.00017%; no homozygotes.

Submissions (2):

Ambry Genetics
Classification: Uncertain significance for Hereditary cancer-predisposing syndrome. Last evaluated: 2024-08-05. Review status: criteria provided, single submitter. Criteria: Ambry Variant Classification Scheme 2023. Collection method: clinical testing. Allele origin: germline.
Comment: The p.H380Y variant (also known as c.1138C>T), located in coding exon 6 of the SMARCA4 gene, results from a C to T substitution at nucleotide position 1138. The histidine at codon 380 is replaced by tyrosine, an amino acid with similar properties. This amino acid position is highly conserved in available vertebrate species. In addition, the in silico prediction for this alteration is inconclusive. Based on the available evidence, the clinical significance of this variant remains unclear.

Labcorp Genetics (formerly Invitae), Labcorp
Classification: Uncertain significance for Rhabdoid tumor predisposition syndrome 2. Last evaluated: 2023-08-01. Review status: criteria provided, single submitter. Criteria: Invitae Variant Classification Sherloc (09022015). Collection method: clinical testing. Allele origin: germline.
Comment: In summary, the available evidence is currently insufficient to determine the role of this variant in disease. Therefore, it has been classified as a Variant of Uncertain Significance. Advanced modeling of protein sequence and biophysical properties (such as structural, functional, and spatial information, amino acid conservation, physicochemical variation, residue mobility, and thermodynamic stability) performed at Invitae indicates that this missense variant is not expected to disrupt SMARCA4 protein function. ClinVar contains an entry for this variant (Variation ID: 1730363). This variant has not been reported in the literature in individuals affected with SMARCA4-related conditions. This variant is not present in population databases (gnomAD no frequency). This sequence change replaces histidine, which is basic and polar, with tyrosine, which is neutral and polar, at codon 380 of the SMARCA4 protein (p.His380Tyr).